The following is an entry in ClinVar:

NM_001943.5(DSG2):c.2081C>A (p.Ala694Asp)

Genes: DSG2 (desmoglein 2; plus strand), DSG2-AS1 (DSG2 antisense RNA 1; minus strand). Cytogenetic location: 18q12.1.
Variant type: single nucleotide variant.
Coding change: c.2081C>A on transcript NM_001943.5 (MANE Select); coding-DNA position 2081, C replaced by A.
Protein change: p.Ala694Asp; replaces alanine 694 with aspartic acid.
Molecular consequence: missense variant.
Genome position (GRCh38, 1-based): chr18:31,542,599, C>A. VCF-style: chr18-31542599-C-A. GRCh37 (hg19) VCF-style: chr18-29122562-C-A.
Other names: short protein forms A694D.
Identifiers: ClinVar variation 3070711 (VCV003070711.1), dbSNP rs2073275365, ClinGen allele CA402141521.
Genomic context (GRCh38, chr18:31,542,599, plus strand): 5'-CAGTGGATCAAGGGGGCAGTCTAGTAGGAAGAAATGGAGTAGGAGGTATGGCCAAGGAAG[C>A]CACGATGAAAGGAAGTAGCTCTGCTTCCATTGTCAAAGGGCAACATGAGATGTCCGAGAT-3'
Protein context (NP_001934.2, residues 684-704): RNGVGGMAKE[Ala694Asp]TMKGSSSASI

ClinVar aggregate classification (germline): Uncertain significance (1 of 4 stars; one submission).

Conditions:
Arrhythmogenic right ventricular cardiomyopathy (ARVD). Also called: Arrhythmogenic right ventricular dysplasia; Cardiomyopathy, ARVC; Arrhythmogenic cardiomyopathy; Arrhythmogenic Right Ventricular Cardiomyopathy (ARVC). Identifiers: Orphanet 247, MedGen C0349788, MeSH D019571, MONDO:0016587. Disease mechanism: loss of function. Inheritance: Various modes of inheritance.

Submission:

All of Us Research Program, National Institutes of Health
Classification: Uncertain significance for Arrhythmogenic right ventricular cardiomyopathy. Last evaluated: 2023-05-04. Review status: criteria provided, single submitter. Criteria: ACMG Guidelines, 2015. Collection method: clinical testing. Allele origin: germline. Inheritance: Autosomal dominant inheritance. Observed: 1 variant allele, 1 heterozygote.
Comment: This missense variant replaces alanine with aspartic acid at codon 694 of the DSG2 protein. Computational prediction suggests that this variant may not impact protein structure and function (internally defined REVEL score threshold <= 0.5, PMID: 27666373). To our knowledge, functional studies have not been reported for this variant. This variant has not been reported in individuals affected with DSG2-related disorders in the literature. This variant has not been identified in the general population by the Genome Aggregation Database (gnomAD). The available evidence is insufficient to determine the role of this variant in disease conclusively. Therefore, this variant is classified as a Variant of Uncertain Significance.

This study involves interpretation of variants in research participants for the purpose of population health screening. Participant phenotype was not available at the time of variant classification. Additional details can be found in publication PMID: 35346344, PMCID: PMC8962531